The following is an entry in ClinVar:

ClinVar aggregate classification (germline): Uncertain significance (1 of 4 stars; one submission).

Conditions:
Hereditary cancer-predisposing syndrome. Also called: Neoplastic Syndromes, Hereditary; Tumor predisposition; Hereditary Cancer Syndrome; Hereditary neoplastic syndrome. Identifiers: Orphanet 140162, MedGen C0027672, MeSH D009386, MONDO:0015356.

Submission:

Ambry Genetics
Classification: Uncertain significance for Hereditary cancer-predisposing syndrome. Last evaluated: 2022-02-28. Review status: criteria provided, single submitter. Criteria: Ambry Variant Classification Scheme 2023. Collection method: clinical testing. Allele origin: germline.
Comment: The p.P1109Q variant (also known as c.3326C>A), located in coding exon 28 of the TSC2 gene, results from a C to A substitution at nucleotide position 3326. The proline at codon 1109 is replaced by glutamine, an amino acid with similar properties. This amino acid position is conserved. In addition, this alteration is predicted to be deleterious by in silico analysis. Since supporting evidence is limited at this time, the clinical significance of this alteration remains unclear.

NM_000548.5(TSC2):c.3326C>A (p.Pro1109Gln)

Gene: TSC2 (TSC complex subunit 2; plus strand). Cytogenetic location: 16p13.3.
Variant type: single nucleotide variant.
Coding change: c.3326C>A on transcript NM_000548.5 (MANE Select); coding-DNA position 3326, C replaced by A.
Protein change: p.Pro1109Gln; replaces proline 1109 with glutamine.
Molecular consequence: missense variant.
Genome position (GRCh38, 1-based): chr16:2,079,598, C>A. VCF-style: chr16-2079598-C-A. GRCh37 (hg19) VCF-style: chr16-2129599-C-A.
Other names: c.3194C>A, p.Pro1065Gln (NM_001077183.3, NM_001370404.1, NM_001406665.1); c.3326C>A, p.Pro1109Gln (NM_001114382.3); c.3086C>A, p.Pro1029Gln (NM_001318827.2); c.3050C>A, p.Pro1017Gln (NM_001318829.2); c.2594C>A, p.Pro865Gln (NM_001318831.2, NM_001406687.1, NM_001406688.1); c.3227C>A, p.Pro1076Gln (NM_001318832.2); c.3197C>A, p.Pro1066Gln (NM_001363528.2, NM_001370405.1, NM_021055.3); c.3323C>A, p.Pro1108Gln (NM_001406663.1, NM_001406664.1); and 18 more; short protein forms P1029Q, P1065Q, P617Q, P866Q, P908Q, P909Q, P1016Q, P1059Q.
Identifiers: ClinVar variation 1730247 (VCV001730247.2), dbSNP rs796053474, ClinGen allele CA394286597.